The following is an entry in ClinVar:

ClinVar aggregate classification (germline): Benign (1 of 4 stars; one submission).

Conditions:
Short stature due to growth hormone secretagogue receptor deficiency (GHDP). Also called: Short stature due to GHSR deficiency. Identifiers: Orphanet 314811, MedGen C5887324, MONDO:0014403, OMIM 615925.

Allele frequency attached by ClinVar (database versions not stated): TOPMed 0.79956; gnomAD 0.80471 and 0.80917; 1000 Genomes Project 30x 0.81090; 1000 Genomes Project 0.81430.

Submission:

Illumina Laboratory Services, Illumina
Classification: Benign for Short stature due to growth hormone secretagogue receptor deficiency. Last evaluated: 2018-01-13. Review status: criteria provided, single submitter. Criteria: ICSL Variant Classification Criteria 13 December 2019. Collection method: clinical testing. Allele origin: germline.
Comment: This variant was observed in the ICSL laboratory as part of a predisposition screen in an ostensibly healthy population. It had not been previously curated by ICSL or reported in the Human Gene Mutation Database (HGMD: prior to June 1st, 2018), and was therefore a candidate for classification through an automated scoring system. Utilizing variant allele frequency, disease prevalence and penetrance estimates, and inheritance mode, an automated score was calculated to assess if this variant is too frequent to cause the disease. Based on the score and internal cut-off values, a variant classified as benign is not then subjected to further curation. The score for this variant resulted in a classification of benign for this disease.

NM_198407.2(GHSR):c.*1109G>T

Gene: GHSR (growth hormone secretagogue receptor; minus strand). Cytogenetic location: 3q26.31.
Variant type: single nucleotide variant.
Coding change: c.*1109G>T on transcript NM_198407.2 (MANE Select); 1109 bases downstream of the stop codon, G replaced by T.
Molecular consequence: 3 prime UTR variant.
Genome position (GRCh38, 1-based): chr3:172,444,052, C>A on the plus strand (G>T on the coding strand, the complement: GHSR is on the minus strand). VCF-style: chr3-172444052-C-A. GRCh37 (hg19) VCF-style: chr3-172161842-C-A.
Identifiers: ClinVar variation 344182 (VCV000344182.5), dbSNP rs562416, ClinGen allele CA10617719.